The following is an entry in ClinVar:

NM_006172.4(NPPA):c.242C>G (p.Pro81Arg)

Genes: NPPA (natriuretic peptide A; minus strand), NPPA-AS1 (NPPA antisense RNA 1; plus strand), LOC114827827 (VISTA enhancer hs2123; plus strand). Cytogenetic location: 1p36.22.
Variant type: single nucleotide variant.
Coding change: c.242C>G on transcript NM_006172.4 (MANE Select); coding-DNA position 242, C replaced by G.
Protein change: p.Pro81Arg; replaces proline 81 with arginine.
Molecular consequence: missense variant.
Genome position (GRCh38, 1-based): chr1:11,847,321, G>C on the plus strand (C>G on the coding strand, the complement: NPPA is on the minus strand). VCF-style: chr1-11847321-G-C. GRCh37 (hg19) VCF-style: chr1-11907378-G-C.
Other names: c.242C>G (NM_006172.3); short protein forms P81R.
Identifiers: ClinVar variation 1346660 (VCV001346660.7), dbSNP rs747934586, ClinGen allele CA597050.

ClinVar aggregate classification (germline): Uncertain significance. Review status: criteria provided, multiple submitters, no conflicts (2 of 4 stars). 2 submissions from 2 submitters: Uncertain significance (2). Last evaluated 2025-08-25.

Conditions:
Atrial fibrillation, familial, 6 (ATFB6). Identifiers: MedGen C2677294, MONDO:0012816, OMIM 612201.
Inborn genetic diseases. Identifiers: MedGen C0950123, MeSH D030342.

Allele frequency attached by ClinVar (database versions not stated): gnomAD 0.00002; gnomAD exomes 0.00003 and 0.00006; ExAC 0.00004.
gnomAD v4.1: 20 of 1,613,462 alleles (0.0012%); highest among the groups gnomAD compares: Admixed American, 0.032%; no homozygotes.

Submissions (2):

Ambry Genetics
Classification: Uncertain significance for Inborn genetic diseases. Last evaluated: 2025-08-25. Review status: criteria provided, single submitter. Criteria: Ambry Variant Classification Scheme 2023. Collection method: clinical testing. Allele origin: germline.

Labcorp Genetics (formerly Invitae), Labcorp
Classification: Uncertain significance for Atrial fibrillation, familial, 6. Last evaluated: 2022-12-13. Review status: criteria provided, single submitter. Criteria: Invitae Variant Classification Sherloc (09022015). Collection method: clinical testing. Allele origin: germline.
Comment: In summary, the available evidence is currently insufficient to determine the role of this variant in disease. Therefore, it has been classified as a Variant of Uncertain Significance. Algorithms developed to predict the effect of sequence changes on RNA splicing suggest that this variant may create or strengthen a splice site. Algorithms developed to predict the effect of missense changes on protein structure and function are either unavailable or do not agree on the potential impact of this missense change (SIFT: "Deleterious"; PolyPhen-2: "Possibly Damaging"; Align-GVGD: "Class C0"). ClinVar contains an entry for this variant (Variation ID: 1346660). This variant has not been reported in the literature in individuals affected with NPPA-related conditions. This variant is present in population databases (rs747934586, gnomAD 0.04%). This sequence change replaces proline, which is neutral and non-polar, with arginine, which is basic and polar, at codon 81 of the NPPA protein (p.Pro81Arg).